The following is an entry in ClinVar:

ClinVar aggregate classification (germline): Uncertain significance (1 of 4 stars; one submission).

Submission:

Labcorp Genetics (formerly Invitae), Labcorp
Classification: Uncertain significance. Last evaluated: 2025-03-17. Review status: criteria provided, single submitter. Criteria: Invitae Variant Classification Sherloc (09022015). Collection method: clinical testing. Allele origin: germline.
Comment: This sequence change replaces methionine, which is neutral and non-polar, with isoleucine, which is neutral and non-polar, at codon 658 of the CNGA3 protein (p.Met658Ile). This variant is not present in population databases (gnomAD no frequency). This variant has not been reported in the literature in individuals affected with CNGA3-related conditions. ClinVar contains an entry for this variant (Variation ID: 845743). Invitae Evidence Modeling of protein sequence and biophysical properties (such as structural, functional, and spatial information, amino acid conservation, physicochemical variation, residue mobility, and thermodynamic stability) indicates that this missense variant is not expected to disrupt CNGA3 protein function with a negative predictive value of 95%. In summary, the available evidence is currently insufficient to determine the role of this variant in disease. Therefore, it has been classified as a Variant of Uncertain Significance.

NM_001298.3(CNGA3):c.1974G>A (p.Met658Ile)

Gene: CNGA3 (cyclic nucleotide gated channel subunit alpha 3; plus strand). Cytogenetic location: 2q11.2.
Variant type: single nucleotide variant.
Coding change: c.1974G>A on transcript NM_001298.3 (MANE Select); coding-DNA position 1974, G replaced by A.
Protein change: p.Met658Ile; replaces methionine 658 with isoleucine.
Molecular consequence: missense variant.
Genome position (GRCh38, 1-based): chr2:98,397,144, G>A. VCF-style: chr2-98397144-G-A. GRCh37 (hg19) VCF-style: chr2-99013607-G-A.
Other names: c.1920G>A, p.Met640Ile (NM_001079878.2); short protein forms M640I, M658I.
Identifiers: ClinVar variation 845743 (VCV000845743.11), dbSNP rs1692940860, ClinGen allele CA347834691.
Genomic context (GRCh38, chr2:98,397,144, plus strand): 5'-CACCCTGCAGACCAGGTTTGCACGCCTCCTGGCTGAGTACAACGCCACCCAGATGAAGAT[G>A]AAGCAGCGTCTCAGCCAACTGGAAAGCCAGGTGAAGGGTGGTGGGGACAAGCCCCTGGCT-3'
Protein context (NP_001289.1, residues 648-668): LAEYNATQMK[Met658Ile]KQRLSQLESQ